The following is an entry in ClinVar:

NM_005751.5(AKAP9):c.9067C>T (p.Arg3023Ter)

Gene: AKAP9 (A-kinase anchoring protein 9; plus strand). Cytogenetic location: 7q21.2.
Variant type: single nucleotide variant.
Coding change: c.9067C>T on transcript NM_005751.5 (MANE Select); coding-DNA position 9067, C replaced by T.
Protein change: p.Arg3023Ter; replaces arginine 3023 with a stop codon.
Molecular consequence: nonsense.
Genome position (GRCh38, 1-based): chr7:92,086,270, C>T. VCF-style: chr7-92086270-C-T. GRCh37 (hg19) VCF-style: chr7-91715584-C-T.
Other names: c.3712C>T, p.Arg1238Ter (NM_001379277.1); c.9043C>T, p.Arg3015Ter (NM_147185.3); short protein forms R3015*, R3023*, R1238*.
Identifiers: ClinVar variation 3652173 (VCV003652173.2).

ClinVar aggregate classification (germline): Uncertain significance (1 of 4 stars; one submission).

Conditions:
Long QT syndrome (LQTS). Identifiers: MedGen C0023976, MeSH D008133, MONDO:0002442. Disease mechanism: loss of function. Inheritance: Various modes of inheritance.

gnomAD v4.1: 2 of 1,613,926 alleles (0.00012%); highest among the groups gnomAD compares: African/African-American, 0.0013%; no homozygotes.

Submission:

Labcorp Genetics (formerly Invitae), Labcorp
Classification: Uncertain significance for Long QT syndrome. Last evaluated: 2025-01-17. Review status: criteria provided, single submitter. Criteria: Invitae Variant Classification Sherloc (09022015). Collection method: clinical testing. Allele origin: germline.
Comment: This sequence change creates a premature translational stop signal (p.Arg3023*) in the AKAP9 gene. It is expected to result in an absent or disrupted protein product. However, the current clinical and genetic evidence is not sufficient to establish whether loss-of-function variants in AKAP9 cause disease. This variant is present in population databases (no rsID available, gnomAD 0.007%). This variant has not been reported in the literature in individuals affected with AKAP9-related conditions. In summary, the available evidence is currently insufficient to determine the role of this variant in disease. Therefore, it has been classified as a Variant of Uncertain Significance.